The following is an entry in ClinVar:

NM_001375905.1(SGMS2):c.598G>C (p.Val200Leu)

Genes: SGMS2 (sphingomyelin synthase 2; plus strand), CYP2U1-AS1 (CYP2U1 and SGMS2 antisense RNA 1; minus strand). Cytogenetic location: 4q25.
Variant type: single nucleotide variant.
Coding change: c.598G>C on transcript NM_001375905.1 (MANE Select); coding-DNA position 598, G replaced by C.
Protein change: p.Val200Leu; replaces valine 200 with leucine.
Molecular consequence: missense variant.
Genome position (GRCh38, 1-based): chr4:107,903,257, G>C. VCF-style: chr4-107903257-G-C. GRCh37 (hg19) VCF-style: chr4-108824413-G-C.
Other names: c.598G>C, p.Val200Leu (NM_001136257.2, NM_001136258.2, NM_001375906.1 and 4 more transcripts); c.79G>C, p.Val27Leu (NM_001375911.1); short protein forms V200L, V27L.
Identifiers: ClinVar variation 2132102 (VCV002132102.4), dbSNP rs2476781620, ClinGen allele CA357826600.

ClinVar aggregate classification (germline): Uncertain significance (1 of 4 stars; one submission).

Submission:

Labcorp Genetics (formerly Invitae), Labcorp
Classification: Uncertain significance. Last evaluated: 2022-04-30. Review status: criteria provided, single submitter. Criteria: Invitae Variant Classification Sherloc (09022015). Collection method: clinical testing. Allele origin: germline.
Comment: In summary, the available evidence is currently insufficient to determine the role of this variant in disease. Therefore, it has been classified as a Variant of Uncertain Significance. Algorithms developed to predict the effect of missense changes on protein structure and function (SIFT, PolyPhen-2, Align-GVGD) all suggest that this variant is likely to be tolerated. This variant has not been reported in the literature in individuals affected with SGMS2-related conditions. This variant is not present in population databases (gnomAD no frequency). This sequence change replaces valine, which is neutral and non-polar, with leucine, which is neutral and non-polar, at codon 200 of the SGMS2 protein (p.Val200Leu).